The following is an entry in ClinVar:

ClinVar aggregate classification (germline): Uncertain significance (1 of 4 stars; one submission).

gnomAD v4.1: 20 of 1,613,778 alleles (0.0012%); highest among the groups gnomAD compares: African/African-American, 0.013%; no homozygotes.

Submission:

Labcorp Genetics (formerly Invitae), Labcorp
Classification: Uncertain significance. Last evaluated: 2025-06-12. Review status: criteria provided, single submitter. Criteria: Invitae Variant Classification Sherloc (09022015). Collection method: clinical testing. Allele origin: germline.
Comment: This sequence change replaces threonine, which is neutral and polar, with methionine, which is neutral and non-polar, at codon 1101 of the SRCAP protein (p.Thr1101Met). This variant is present in population databases (rs149248373, gnomAD 0.007%). This variant has not been reported in the literature in individuals affected with SRCAP-related conditions. ClinVar contains an entry for this variant (Variation ID: 2900863). Invitae Evidence Modeling of protein sequence and biophysical properties (such as structural, functional, and spatial information, amino acid conservation, physicochemical variation, residue mobility, and thermodynamic stability) indicates that this missense variant is not expected to disrupt SRCAP protein function with a negative predictive value of 80%. In summary, the available evidence is currently insufficient to determine the role of this variant in disease. Therefore, it has been classified as a Variant of Uncertain Significance.

NM_006662.3(SRCAP):c.3302C>T (p.Thr1101Met)

Gene: SRCAP (Snf2 related CREBBP activator protein; plus strand). Cytogenetic location: 16p11.2.
Variant type: single nucleotide variant.
Coding change: c.3302C>T on transcript NM_006662.3 (MANE Select); coding-DNA position 3302, C replaced by T.
Protein change: p.Thr1101Met; replaces threonine 1101 with methionine.
Molecular consequence: missense variant.
Genome position (GRCh38, 1-based): chr16:30,721,237, C>T. VCF-style: chr16-30721237-C-T. GRCh37 (hg19) VCF-style: chr16-30732558-C-T.
Other names: short protein forms T1101M.
Identifiers: ClinVar variation 2900863 (VCV002900863.3), dbSNP rs149248373, ClinGen allele CA8011464.